The following is an entry in ClinVar:

ClinVar aggregate classification (germline): Uncertain significance. Review status: criteria provided, multiple submitters, no conflicts (2 of 4 stars). 2 submissions from 2 submitters: Uncertain significance (2). Last evaluated 2023-10-27.

Conditions:
Gorlin syndrome. Also called: Nevoid Basal Cell Carcinoma Syndrome; Basal cell nevus syndrome. Identifiers: Orphanet 377, MedGen C0004779, MONDO:0007187.
Hereditary cancer-predisposing syndrome. Also called: Neoplastic Syndromes, Hereditary; Tumor predisposition; Hereditary neoplastic syndrome; Hereditary Cancer Syndrome. Identifiers: Orphanet 140162, MedGen C0027672, MeSH D009386, MONDO:0015356.

Submissions (2):

Labcorp Genetics (formerly Invitae), Labcorp
Classification: Uncertain significance for Gorlin syndrome. Last evaluated: 2023-10-27. Review status: criteria provided, single submitter. Criteria: Invitae Variant Classification Sherloc (09022015). Collection method: clinical testing. Allele origin: germline.
Comment: This variant, c.49_57dup, results in the insertion of 3 amino acid(s) of the PTCH1 protein (p.Gly17_Gly19dup), but otherwise preserves the integrity of the reading frame. This variant is not present in population databases (gnomAD no frequency). This variant has not been reported in the literature in individuals affected with PTCH1-related conditions. Experimental studies and prediction algorithms are not available or were not evaluated, and the functional significance of this variant is currently unknown. In summary, the available evidence is currently insufficient to determine the role of this variant in disease. Therefore, it has been classified as a Variant of Uncertain Significance.

Ambry Genetics
Classification: Uncertain significance for Hereditary cancer-predisposing syndrome. Last evaluated: 2022-11-15. Review status: criteria provided, single submitter. Criteria: Ambry Variant Classification Scheme 2023. Collection method: clinical testing. Allele origin: germline.
Comment: The c.49_57dupGGCAGCGGC variant (also known as p.G17_G19dup), located in coding exon 1 of the PTCH1 gene, results from an in-frame duplication of GGCAGCGGC at nucleotide positions 49 to 57. This results in the duplication of 3 extra residues (GSG) between codons 17 and 19. This amino acid position is not well conserved in available vertebrate species. In addition, this alteration is predicted to be neutral by in silico analysis (Choi Y et al. PLoS ONE. 2012; 7(10):e46688). Since supporting evidence is limited at this time, the clinical significance of this alteration remains unclear.

NM_000264.5(PTCH1):c.49_57dup (p.Gly19_Cys20insGlySerGly)

Genes: PTCH1 (patched 1; minus strand), LOC130002133 (ATAC-STARR-seq lymphoblastoid silent region 20071; plus strand). Cytogenetic location: 9q22.32.
Variant type: Duplication.
Coding change: c.49_57dup on transcript NM_000264.5 (MANE Select); coding-DNA positions 49 to 57, 9 bases duplicated (GGCAGCGGC; older notation c.49_57dupGGCAGCGGC).
Protein change: p.Gly19_Cys20insGlySerGly.
Molecular consequence: inframe insertion. On other transcripts: non-coding transcript variant (1), intron variant (3).
Genome position (GRCh38, 1-based): chr9:95,508,305-95,508,313, GCCGCTGCC duplicated on the plus strand (GGCAGCGGC on the coding strand, the reverse complement: PTCH1 is on the minus strand); duplicating any 9 consecutive bases within chr9:95,508,305-95,508,318 gives the same sequence; the c. name uses the placement nearest the transcript's 3' end. VCF-style (leftmost placement, unchanged base first): chr9-95508304-A-AGCCGCTGCC. GRCh37 (hg19) VCF-style: chr9-98270586-A-AGCCGCTGCC.
Other names: c.49_57dupGGCAGCGGC (NM_000264.3); c.49_57dup, p.Gly19_Cys20insGlySerGly (NM_001354918.2); c.199-1714_199-1706dup (NM_001083603.3); c.4-1714_4-1706dup (NM_001083602.3, NM_001354919.2).
Identifiers: ClinVar variation 2755546 (VCV002755546.4), dbSNP rs2538404319, ClinGen allele CA2697557899.